The following is an entry in ClinVar:

NM_005411.5(SFTPA1):c.342T>C (p.Phe114=)

Gene: SFTPA1 (surfactant protein A1; plus strand). Cytogenetic location: 10q22.3.
Variant type: single nucleotide variant.
Coding change: c.342T>C on transcript NM_005411.5 (MANE Select); coding-DNA position 342, T replaced by C.
Protein change: p.Phe114=; no amino-acid change (phenylalanine 114 retained).
Molecular consequence: synonymous variant.
Genome position (GRCh38, 1-based): chr10:79,613,238, T>C. VCF-style: chr10-79613238-T-C. GRCh37 (hg19) VCF-style: chr10-81372994-T-C.
Other names: c.387T>C, p.Phe129= (NM_001093770.3); c.342T>C, p.Phe114= (NM_001164644.2, NM_001164647.1); c.240T>C, p.Phe80= (NM_001164645.2); c.195T>C, p.Phe65= (NM_001164646.2).
Identifiers: ClinVar variation 227063 (VCV000227063.10), dbSNP rs1059056, ClinGen allele CA5574495.

ClinVar aggregate classification (germline): Benign/Likely benign. Review status: criteria provided, multiple submitters, no conflicts (2 of 4 stars). 3 submissions from 3 submitters: Benign (1); Likely benign (2). Last evaluated 2019-12-31.

Allele frequency attached by ClinVar (database versions not stated): gnomAD exomes 0.00287; ESP Exome Variant Server 0.00062; gnomAD 0.00367 and 0.00332; 1000 Genomes Project 30x 0.00921; ExAC 0.00372.

Submissions (3):

Labcorp Genetics (formerly Invitae), Labcorp
Classification: Likely benign. Last evaluated: 2019-12-31. Review status: criteria provided, single submitter. Criteria: Invitae Variant Classification Sherloc (09022015). Collection method: clinical testing. Allele origin: germline.

Laboratory for Molecular Medicine, Mass General Brigham Personalized Medicine
Classification: Benign. Last evaluated: 2013-02-21. Review status: criteria provided, single submitter. Criteria: LMM Criteria. Collection method: clinical testing. Allele origin: germline. Observed: 1 variant allele.
Comment: Phe129Phe in exon 5 of SFTPA1: This variant is not expected to have clinical sig nificance because it does not alter an amino acid residue and is not located wit hin the splice consensus sequence. It has been identified in 4.0% (8/200) of Han Chinese chromosomes from a broad population by the 1000 Genomes Project (dbSNP rs1059056).

Breakthrough Genomics
Classification: Likely benign. Review status: criteria provided, single submitter. Criteria: ACMG Guidelines, 2015. Collection method: not provided. Allele origin: germline. Inheritance: Autosomal dominant inheritance. Affected: yes.